The following is an entry in ClinVar:

NM_000827.4(GRIA1):c.82+370T>G

Gene: GRIA1 (glutamate ionotropic receptor AMPA type subunit 1; plus strand). Cytogenetic location: 5q33.2.
Variant type: single nucleotide variant.
Coding change: c.82+370T>G on transcript NM_000827.4 (MANE Select); 370 bases into the intron after coding-DNA position 82, T replaced by G.
Molecular consequence: intron variant.
Genome position (GRCh38, 1-based): chr5:153,491,340, T>G. VCF-style: chr5-153491340-T-G. GRCh37 (hg19) VCF-style: chr5-152870900-T-G.
Other names: c.24+8T>G (NM_001364166.2); c.-126+8T>G (NM_001364167.2, NM_001258023.1); c.-261+370T>G (NM_001258020.2); c.82+370T>G (NM_001114183.2, NM_001364165.2, NM_001258019.2).
Identifiers: ClinVar variation 4822378 (VCV004822378.4).

ClinVar aggregate classification (germline): Likely benign (1 of 4 stars; one submission).

gnomAD v4.1: 47 of 1,134,692 alleles (0.0041%); highest among the groups gnomAD compares: Admixed American, 0.0087%; 1 homozygote.

Submission:

CeGaT Center for Human Genetics Tuebingen
Classification: Likely benign. Last evaluated: 2026-03-01. Review status: criteria provided, single submitter. Criteria: CeGaT Center For Human Genetics Tuebingen Variant Classification Criteria Version 2. Collection method: clinical testing. Allele origin: germline. Affected: yes. Observed: 1 variant allele.
Comment: GRIA1: BP4